The following is an entry in ClinVar:

NM_001165963.4(SCN1A):c.2380G>A (p.Asp794Asn)

Gene: SCN1A (sodium voltage-gated channel alpha subunit 1; minus strand). Cytogenetic location: 2q24.3.
Variant type: single nucleotide variant.
Coding change: c.2380G>A on transcript NM_001165963.4 (MANE Select); coding-DNA position 2380, G replaced by A.
Protein change: p.Asp794Asn; replaces aspartic acid 794 with asparagine.
Molecular consequence: missense variant. On other transcripts: 5 prime UTR variant (1), non-coding transcript variant (1).
Genome position (GRCh38, 1-based): chr2:166,041,266, C>T on the plus strand (G>A on the coding strand, the complement: SCN1A is on the minus strand). VCF-style: chr2-166041266-C-T. GRCh37 (hg19) VCF-style: chr2-166897776-C-T.
Other names: c.2296G>A, p.Asp766Asn (NM_001165964.3, NM_001353957.2, NM_001353958.2); c.2380G>A, p.Asp794Asn (NM_001202435.3, NM_001353948.2); c.2347G>A, p.Asp783Asn (NM_001353949.2, NM_001353950.2, NM_001353951.2 and 2 more transcripts); c.2344G>A, p.Asp782Asn (NM_001353954.2, NM_001353955.2); c.2293G>A, p.Asp765Asn (NM_001353960.2); c.-79G>A (NM_001353961.2); short protein forms D783N, D765N, D782N, D766N, D794N.
Identifiers: ClinVar variation 493296 (VCV000493296.50), dbSNP rs1360811002, ClinGen allele CA349063868.

ClinVar aggregate classification (germline): Uncertain significance. Review status: criteria provided, multiple submitters, no conflicts (2 of 4 stars). 2 submissions from 2 submitters: Uncertain significance (2). Last evaluated 2022-10-08.

Conditions:
Early-infantile DEE. Also called: Early infantile epileptic encephalopathy with suppression bursts; Early infantile epileptic encephalopathy; Ohtahara syndrome. Identifiers: Orphanet 1934, MedGen C0393706, MONDO:0800491.

Allele frequency attached by ClinVar (database versions not stated): gnomAD exomes below 0.00001; TOPMed 0.00003.
gnomAD v4.1: 2 of 1,613,694 alleles (0.00012%); highest among the groups gnomAD compares: Non-Finnish European, 0.00017%; no homozygotes.

Submissions (2):

Labcorp Genetics (formerly Invitae), Labcorp
Classification: Uncertain significance for Early-infantile DEE. Last evaluated: 2022-10-08. Review status: criteria provided, single submitter. Criteria: Invitae Variant Classification Sherloc (09022015). Collection method: clinical testing. Allele origin: germline.
Comment: In summary, the available evidence is currently insufficient to determine the role of this variant in disease. Therefore, it has been classified as a Variant of Uncertain Significance. Advanced modeling of protein sequence and biophysical properties (such as structural, functional, and spatial information, amino acid conservation, physicochemical variation, residue mobility, and thermodynamic stability) performed at Invitae indicates that this missense variant is not expected to disrupt SCN1A protein function. ClinVar contains an entry for this variant (Variation ID: 493296). This variant has not been reported in the literature in individuals affected with SCN1A-related conditions. This variant is present in population databases (no rsID available, gnomAD 0.0009%). This sequence change replaces aspartic acid, which is acidic and polar, with asparagine, which is neutral and polar, at codon 794 of the SCN1A protein (p.Asp794Asn).

CeGaT Center for Human Genetics Tuebingen
Classification: Uncertain significance. Last evaluated: 2017-10-01. Review status: criteria provided, single submitter. Criteria: CeGaT Center For Human Genetics Tuebingen Variant Classification Criteria Version 2. Collection method: clinical testing. Allele origin: germline. Affected: yes. Observed: 1 variant allele.